The following is an entry in ClinVar:

ClinVar aggregate classification (germline): Uncertain significance (1 of 4 stars; one submission).

Conditions:
Hereditary cancer-predisposing syndrome. Also called: Hereditary neoplastic syndrome; Neoplastic Syndromes, Hereditary; Tumor predisposition; Hereditary Cancer Syndrome. Identifiers: Orphanet 140162, MedGen C0027672, MeSH D009386, MONDO:0015356.

gnomAD v4.1: 1 of 1,613,480 alleles (0.000062%); highest among the groups gnomAD compares: Non-Finnish European, 0.000085%; no homozygotes.

Submission:

Ambry Genetics
Classification: Uncertain significance for Hereditary cancer-predisposing syndrome. Last evaluated: 2025-01-28. Review status: criteria provided, single submitter. Criteria: Ambry Variant Classification Scheme 2023. Collection method: clinical testing. Allele origin: germline.
Comment: The p.I653V variant (also known as c.1957A>G), located in coding exon 13 of the KIT gene, results from an A to G substitution at nucleotide position 1957. The isoleucine at codon 653 is replaced by valine, an amino acid with highly similar properties. This amino acid position is conserved. In addition, the in silico prediction for this alteration is inconclusive. Based on the available evidence, the clinical significance of this variant remains unclear.

NM_000222.3(KIT):c.1957A>G (p.Ile653Val)

Gene: KIT (KIT proto-oncogene, receptor tyrosine kinase; plus strand). Cytogenetic location: 4q12.
Variant type: single nucleotide variant.
Coding change: c.1957A>G on transcript NM_000222.3 (MANE Select); coding-DNA position 1957, A replaced by G.
Protein change: p.Ile653Val; replaces isoleucine 653 with valine.
Molecular consequence: missense variant.
Genome position (GRCh38, 1-based): chr4:54,728,088, A>G. VCF-style: chr4-54728088-A-G. GRCh37 (hg19) VCF-style: chr4-55594254-A-G.
Other names: c.1945A>G, p.Ile649Val (NM_001093772.2, NM_001385286.1); c.1960A>G, p.Ile654Val (NM_001385284.1, NM_001385290.1); c.1957A>G, p.Ile653Val (NM_001385285.1); c.1948A>G, p.Ile650Val (NM_001385288.1, NM_001385292.1); short protein forms I654V, I649V, I650V, I653V.
Identifiers: ClinVar variation 3864514 (VCV003864514.1).